The following is an entry in ClinVar:

NM_198391.3(FLRT3):c.1907A>G (p.Tyr636Cys)

Genes: FLRT3 (fibronectin leucine rich transmembrane protein 3; minus strand), MACROD2 (mono-ADP ribosylhydrolase 2; plus strand). Cytogenetic location: 20p12.1.
Variant type: single nucleotide variant.
Coding change: c.1907A>G on transcript NM_198391.3 (MANE Select); coding-DNA position 1907, A replaced by G.
Protein change: p.Tyr636Cys; replaces tyrosine 636 with cysteine.
Molecular consequence: missense variant. On other transcripts: intron variant (3).
Genome position (GRCh38, 1-based): chr20:14,325,600, T>C on the plus strand (A>G on the coding strand, the complement: FLRT3 is on the minus strand). VCF-style: chr20-14325600-T-C. GRCh37 (hg19) VCF-style: chr20-14306246-T-C.
Other names: c.1907A>G, p.Tyr636Cys (NM_013281.4); c.272-167879T>C (NM_001351661.2, NM_001351663.2, NM_080676.6); short protein forms Y636C.
Identifiers: ClinVar variation 2958832 (VCV002958832.3), dbSNP rs376930710, ClinGen allele CA312208718.

ClinVar aggregate classification (germline): Uncertain significance (1 of 4 stars; one submission).

Allele frequency attached by ClinVar (database versions not stated): gnomAD 0.00001; gnomAD exomes 0.00002; ESP Exome Variant Server 0.00008.
gnomAD v4.1: 30 of 1,613,252 alleles (0.0019%); highest among the groups gnomAD compares: African/African-American, 0.0027%; no homozygotes.

Submission:

Labcorp Genetics (formerly Invitae), Labcorp
Classification: Uncertain significance. Last evaluated: 2023-11-16. Review status: criteria provided, single submitter. Criteria: Invitae Variant Classification Sherloc (09022015). Collection method: clinical testing. Allele origin: germline.
Comment: This sequence change replaces tyrosine, which is neutral and polar, with cysteine, which is neutral and slightly polar, at codon 636 of the FLRT3 protein (p.Tyr636Cys). The frequency data for this variant in the population databases is considered unreliable, as metrics indicate poor data quality at this position in the gnomAD database. This variant has not been reported in the literature in individuals affected with FLRT3-related conditions. An algorithm developed to predict the effect of missense changes on protein structure and function (PolyPhen-2) suggests that this variant is likely to be disruptive. In summary, the available evidence is currently insufficient to determine the role of this variant in disease. Therefore, it has been classified as a Variant of Uncertain Significance.